The following is an entry in ClinVar:

NM_001041.4(SI):c.2194A>C (p.Thr732Pro)

Gene: SI (sucrase-isomaltase; minus strand). Cytogenetic location: 3q26.1.
Variant type: single nucleotide variant.
Coding change: c.2194A>C on transcript NM_001041.4 (MANE Select); coding-DNA position 2194, A replaced by C.
Protein change: p.Thr732Pro; replaces threonine 732 with proline.
Molecular consequence: missense variant.
Genome position (GRCh38, 1-based): chr3:165,039,937, T>G on the plus strand (A>C on the coding strand, the complement: SI is on the minus strand). VCF-style: chr3-165039937-T-G. GRCh37 (hg19) VCF-style: chr3-164757725-T-G.
Other names: short protein forms T732P.
Identifiers: ClinVar variation 1399931 (VCV001399931.8), dbSNP rs2108217177, ClinGen allele CA355049514.
Genomic context (GRCh38, chr3:165,039,937, plus strand): 5'-TAGAGCCTACCTGTTTTAGAACAGGAGTAATAAGTAATGCAGGGCCCCACAAAAACTCAG[T>G]GTCCTCAATCCAGCTGTTCGTATCCTCATAAAACCTAAGAACAATGACAATGTTTAAAGT-3'
Protein context (NP_001032.2, residues 722-742): YEDTNSWIED[Thr732Pro]EFLWGPALLI

ClinVar aggregate classification (germline): Uncertain significance (1 of 4 stars; one submission).

Submission:

Labcorp Genetics (formerly Invitae), Labcorp
Classification: Uncertain significance. Last evaluated: 2021-06-08. Review status: criteria provided, single submitter. Criteria: Invitae Variant Classification Sherloc (09022015). Collection method: clinical testing. Allele origin: germline.
Comment: This variant has not been reported in the literature in individuals with SI-related conditions. This variant is not present in population databases (ExAC no frequency). This sequence change replaces threonine with proline at codon 732 of the SI protein (p.Thr732Pro). The threonine residue is weakly conserved and there is a small physicochemical difference between threonine and proline. In summary, the available evidence is currently insufficient to determine the role of this variant in disease. Therefore, it has been classified as a Variant of Uncertain Significance. Advanced modeling of protein sequence and biophysical properties (such as structural, functional, and spatial information, amino acid conservation, physicochemical variation, residue mobility, and thermodynamic stability) performed at Invitae indicates that this missense variant is not expected to disrupt SI protein function.